The following is an entry in ClinVar:

NM_006268.5(DPF2):c.9T>G (p.Ala3=)

Gene: DPF2 (double PHD fingers 2; plus strand). Cytogenetic location: 11q13.1.
Variant type: single nucleotide variant.
Coding change: c.9T>G on transcript NM_006268.5 (MANE Select); coding-DNA position 9, T replaced by G.
Protein change: p.Ala3=; no amino-acid change (alanine 3 retained).
Molecular consequence: synonymous variant.
Genome position (GRCh38, 1-based): chr11:65,333,895, T>G. VCF-style: chr11-65333895-T-G. GRCh37 (hg19) VCF-style: chr11-65101366-T-G.
Other names: c.9T>G, p.Ala3= (NM_001330308.2); c.9T>G (NM_001330308.1).
Identifiers: ClinVar variation 1409220 (VCV001409220.18), dbSNP rs137933237, ClinGen allele CA6095124.
Genomic context (GRCh38, chr11:65,333,895, plus strand): 5'-TGCGCGCTGCGGACTGTGGGGCTTCTCGGCCCGAGGCAGAGGAACAGGGAAGATGGCGGC[T>G]GTGGTGGAGAATGTAGTGAAGCTGTGAGTGGTCGTTTCTTTCTCTCCTAGGGCGGCAGGT-3'
Protein context (NP_006259.1, residues 1-13): MA[Ala3=]VVENVVKLLG

ClinVar aggregate classification (germline): Likely benign. Review status: criteria provided, multiple submitters, no conflicts (2 of 4 stars). 3 submissions from 3 submitters: Likely benign (2). 1 of the submissions does not count toward it. Last evaluated 2025-12-19.

Conditions:
DPF2-related disorder. Also called: DPF2-related condition.

Allele frequency attached by ClinVar (database versions not stated): gnomAD 0.00013 and 0.00014; TOPMed 0.00013; gnomAD exomes 0.00018 and 0.00022; ESP Exome Variant Server 0.00023; ExAC 0.00025.
gnomAD v4.1: 334 of 1,613,806 alleles (0.021%); highest among the groups gnomAD compares: Non-Finnish European, 0.026%; no homozygotes.

Submissions (3):

Labcorp Genetics (formerly Invitae), Labcorp
Classification: Likely benign. Last evaluated: 2025-12-19. Review status: criteria provided, single submitter. Criteria: Invitae Variant Classification Sherloc (09022015). Collection method: clinical testing. Allele origin: germline.

CeGaT Center for Human Genetics Tuebingen
Classification: Likely benign. Last evaluated: 2025-06-01. Review status: criteria provided, single submitter. Criteria: CeGaT Center For Human Genetics Tuebingen Variant Classification Criteria Version 2. Collection method: clinical testing. Allele origin: germline. Affected: yes. Observed: 1 variant allele.
Comment: DPF2: BP4, BP7

PreventionGenetics, part of Exact Sciences
Classification: Likely benign for DPF2-related condition. Last evaluated: 2020-01-13. Review status: no assertion criteria provided. Collection method: clinical testing. Allele origin: germline. Not counted in ClinVar's aggregate classification.
Comment: This variant is classified as likely benign based on ACMG/AMP sequence variant interpretation guidelines (Richards et al. 2015 PMID: 25741868, with internal and published modifications).